The following is an entry in ClinVar:

NM_001046.3(SLC12A2):c.2758A>G (p.Ile920Val)

Gene: SLC12A2 (solute carrier family 12 member 2; plus strand). Cytogenetic location: 5q23.3.
Variant type: single nucleotide variant.
Coding change: c.2758A>G on transcript NM_001046.3 (MANE Select); coding-DNA position 2758, A replaced by G.
Protein change: p.Ile920Val; replaces isoleucine 920 with valine.
Molecular consequence: missense variant. On other transcripts: non-coding transcript variant (1).
Genome position (GRCh38, 1-based): chr5:128,171,701, A>G. VCF-style: chr5-128171701-A-G. GRCh37 (hg19) VCF-style: chr5-127507393-A-G.
Other names: c.2758A>G, p.Ile920Val (NM_001256461.2); short protein forms I920V.
Identifiers: ClinVar variation 3389888 (VCV003389888.14).

ClinVar aggregate classification (germline): Uncertain significance (1 of 4 stars; one submission).

gnomAD v4.1: 1 of 1,589,566 alleles (0.000063%); highest among the groups gnomAD compares: Admixed American, 0.0019%; no homozygotes.

Submission:

CeGaT Center for Human Genetics Tuebingen
Classification: Uncertain significance. Last evaluated: 2024-10-01. Review status: criteria provided, single submitter. Criteria: CeGaT Center For Human Genetics Tuebingen Variant Classification Criteria Version 2. Collection method: clinical testing. Allele origin: germline. Affected: yes. Observed: 1 variant allele.
Comment: SLC12A2: PM2